The following is an entry in ClinVar:

ClinVar aggregate classification (germline): Benign/Likely benign. Review status: criteria provided, multiple submitters, no conflicts (2 of 4 stars). 2 submissions from 2 submitters: Benign (1); Likely benign (1). Last evaluated 2018-08-30.

Conditions:
Torsion dystonia 6 (DYT6). Also called: DYT-THAP1. Identifiers: Orphanet 98806, MedGen C1414216, MONDO:0011264, OMIM 602629.

Allele frequency attached by ClinVar (database versions not stated): 1000 Genomes Project 0.00699; TOPMed 0.01102; gnomAD 0.01485 and 0.01519.
gnomAD v4.1: 16,681 of 973,780 alleles (1.7%); highest among the groups gnomAD compares: Non-Finnish European, 2%; 187 homozygotes.

Submissions (2):

GeneDx
Classification: Likely benign. Last evaluated: 2018-08-30. Review status: criteria provided, single submitter. Criteria: GeneDx Variant Classification Process June 2021. Collection method: clinical testing. Allele origin: germline. Affected: yes.

Illumina Laboratory Services, Illumina
Classification: Benign for Torsion dystonia 6. Last evaluated: 2018-01-12. Review status: criteria provided, single submitter. Criteria: ICSL Variant Classification Criteria 13 December 2019. Collection method: clinical testing. Allele origin: germline.
Comment: This variant was observed in the ICSL laboratory as part of a predisposition screen in an ostensibly healthy population. It had not been previously curated by ICSL or reported in the Human Gene Mutation Database (HGMD: prior to June 1st, 2018), and was therefore a candidate for classification through an automated scoring system. Utilizing variant allele frequency, disease prevalence and penetrance estimates, and inheritance mode, an automated score was calculated to assess if this variant is too frequent to cause the disease. Based on the score and internal cut-off values, a variant classified as benign is not then subjected to further curation. The score for this variant resulted in a classification of benign for this disease.

NM_018105.3(THAP1):c.*135T>A

Gene: THAP1 (THAP domain containing 1; minus strand). Cytogenetic location: 8p11.21.
Variant type: single nucleotide variant.
Coding change: c.*135T>A on transcript NM_018105.3 (MANE Select); 135 bases downstream of the stop codon, T replaced by A.
Molecular consequence: 3 prime UTR variant.
Genome position (GRCh38, 1-based): chr8:42,837,827, A>T on the plus strand (T>A on the coding strand, the complement: THAP1 is on the minus strand). VCF-style: chr8-42837827-A-T. GRCh37 (hg19) VCF-style: chr8-42692970-A-T.
Other names: c.*419T>A (NM_199003.2).
Identifiers: ClinVar variation 363122 (VCV000363122.7), dbSNP rs181850921, ClinGen allele CA10631128.
Genomic context (GRCh38, chr8:42,837,827, plus strand): 5'-AAAATGTAAAAAACCTGAAATTACAAACAAAAAAATTTATAATTTTACAGTATATATAGA[A>T]TTTTTTTTAAAAAAATATTCTGAACTGTTTTTATATAAGTAATCAAATGTTATTTTTTTA-3'